The following is an entry in ClinVar:

NM_005431.2(XRCC2):c.44T>C (p.Leu15Pro)

Gene: XRCC2 (X-ray repair cross complementing 2; minus strand). Cytogenetic location: 7q36.1.
Variant type: single nucleotide variant.
Coding change: c.44T>C on transcript NM_005431.2 (MANE Select); coding-DNA position 44, T replaced by C.
Protein change: p.Leu15Pro; replaces leucine 15 with proline.
Molecular consequence: missense variant.
Genome position (GRCh38, 1-based): chr7:152,660,778, A>G on the plus strand (T>C on the coding strand, the complement: XRCC2 is on the minus strand). VCF-style: chr7-152660778-A-G. GRCh37 (hg19) VCF-style: chr7-152357863-A-G.
Other names: short protein forms L15P.
Identifiers: ClinVar variation 1741044 (VCV001741044.2), dbSNP rs2485896936, ClinGen allele CA370199550.

ClinVar aggregate classification (germline): Uncertain significance (1 of 4 stars; one submission).

Conditions:
Hereditary cancer-predisposing syndrome. Also called: Hereditary Cancer Syndrome; Hereditary neoplastic syndrome; Neoplastic Syndromes, Hereditary; Tumor predisposition. Identifiers: Orphanet 140162, MedGen C0027672, MeSH D009386, MONDO:0015356.

Allele frequency attached by ClinVar (database versions not stated): gnomAD exomes below 0.00001.
gnomAD v4.1: 4 of 1,609,870 alleles (0.00025%); highest among the groups gnomAD compares: Non-Finnish European, 0.00034%; no homozygotes.

Submission:

Ambry Genetics
Classification: Uncertain significance for Hereditary cancer-predisposing syndrome. Last evaluated: 2022-05-26. Review status: criteria provided, single submitter. Criteria: Ambry Variant Classification Scheme 2023. Collection method: clinical testing. Allele origin: germline.
Comment: The p.L15P variant (also known as c.44T>C), located in coding exon 2 of the XRCC2 gene, results from a T to C substitution at nucleotide position 44. The leucine at codon 15 is replaced by proline, an amino acid with similar properties. This amino acid position is conserved. In addition, the in silico prediction for this alteration is inconclusive. Since supporting evidence is limited at this time, the clinical significance of this alteration remains unclear.